The following is an entry in ClinVar:

ClinVar aggregate classification (germline): Uncertain significance (1 of 4 stars; one submission).

Submission:

Labcorp Genetics (formerly Invitae), Labcorp
Classification: Uncertain significance. Last evaluated: 2022-12-15. Review status: criteria provided, single submitter. Criteria: Invitae Variant Classification Sherloc (09022015). Collection method: clinical testing. Allele origin: germline.
Comment: In summary, the available evidence is currently insufficient to determine the role of this variant in disease. Therefore, it has been classified as a Variant of Uncertain Significance. Advanced modeling of protein sequence and biophysical properties (such as structural, functional, and spatial information, amino acid conservation, physicochemical variation, residue mobility, and thermodynamic stability) has been performed at Invitae for this missense variant, however the output from this modeling did not meet the statistical confidence thresholds required to predict the impact of this variant on FH protein function. This variant has not been reported in the literature in individuals affected with FH-related conditions. This variant is not present in population databases (gnomAD no frequency). This sequence change replaces isoleucine, which is neutral and non-polar, with methionine, which is neutral and non-polar, at codon 338 of the FH protein (p.Ile338Met).

NM_000143.4(FH):c.1014A>G (p.Ile338Met)

Gene: FH (fumarate hydratase; minus strand). Cytogenetic location: 1q43.
Variant type: single nucleotide variant.
Coding change: c.1014A>G on transcript NM_000143.4 (MANE Select); coding-DNA position 1014, A replaced by G.
Protein change: p.Ile338Met; replaces isoleucine 338 with methionine.
Molecular consequence: missense variant.
Genome position (GRCh38, 1-based): chr1:241,504,136, T>C on the plus strand (A>G on the coding strand, the complement: FH is on the minus strand). VCF-style: chr1-241504136-T-C. GRCh37 (hg19) VCF-style: chr1-241667436-T-C.
Other names: short protein forms I338M.
Identifiers: ClinVar variation 2820967 (VCV002820967.3), dbSNP rs2527319447, ClinGen allele CA345438218.